The following is an entry in ClinVar:

NM_000744.7(CHRNA4):c.538G>A (p.Gly180Ser)

Gene: CHRNA4 (cholinergic receptor nicotinic alpha 4 subunit; minus strand). Cytogenetic location: 20q13.33.
Variant type: single nucleotide variant.
Coding change: c.538G>A on transcript NM_000744.7 (MANE Select); coding-DNA position 538, G replaced by A.
Protein change: p.Gly180Ser; replaces glycine 180 with serine.
Molecular consequence: missense variant. On other transcripts: non-coding transcript variant (1).
Genome position (GRCh38, 1-based): chr20:63,350,873, C>T on the plus strand (G>A on the coding strand, the complement: CHRNA4 is on the minus strand). VCF-style: chr20-63350873-C-T. GRCh37 (hg19) VCF-style: chr20-61982225-C-T.
Other names: c.10G>A, p.Gly4Ser (NM_001256573.2); short protein forms G4S, G180S.
Identifiers: ClinVar variation 2962571 (VCV002962571.13), dbSNP rs776183357, ClinGen allele CA9957785.

ClinVar aggregate classification (germline): Uncertain significance. Review status: criteria provided, multiple submitters, no conflicts (2 of 4 stars). 3 submissions from 3 submitters: Uncertain significance (3). Last evaluated 2025-09-10.

Conditions:
Autosomal dominant nocturnal frontal lobe epilepsy 1. Also called: EPILEPSY, NOCTURNAL FRONTAL LOBE, TYPE 1; CHRNA4-Related Nocturnal Frontal Lobe Epilepsy, Autosomal Dominant. Identifiers: Orphanet 98784, MedGen C1838049, MONDO:0010899, OMIM 600513.
Familial sleep-related hypermotor epilepsy. Also called: Autosomal Dominant Sleep-Related Hypermotor (Hyperkinetic) Epilepsy. Identifiers: Orphanet 98784, MedGen C3696898, MONDO:0000030.

Allele frequency attached by ClinVar (database versions not stated): gnomAD exomes below 0.00001; TOPMed 0.00001; ExAC 0.00002.

Submissions (3):

Genomic Medicine Center of Excellence, King Faisal Specialist Hospital and Research Centre
Classification: Uncertain significance for Autosomal dominant nocturnal frontal lobe epilepsy 1. Last evaluated: 2025-09-10. Review status: criteria provided, single submitter. Criteria: ACMG Guidelines, 2015. Collection method: clinical testing. Allele origin: germline.

CeGaT Center for Human Genetics Tuebingen
Classification: Uncertain significance. Last evaluated: 2025-09-01. Review status: criteria provided, single submitter. Criteria: CeGaT Center For Human Genetics Tuebingen Variant Classification Criteria Version 2. Collection method: clinical testing. Allele origin: germline. Affected: yes. Observed: 2 variant alleles.
Comment: CHRNA4: PM2, PP3

Labcorp Genetics (formerly Invitae), Labcorp
Classification: Uncertain significance. Last evaluated: 2025-08-21. Review status: criteria provided, single submitter. Criteria: Invitae Variant Classification Sherloc (09022015). Collection method: clinical testing. Allele origin: germline.
Comment: This sequence change replaces glycine, which is neutral and non-polar, with serine, which is neutral and polar, at codon 180 of the CHRNA4 protein (p.Gly180Ser). This variant is present in population databases (rs776183357, gnomAD 0.002%). This variant has not been reported in the literature in individuals affected with CHRNA4-related conditions. ClinVar contains an entry for this variant (Variation ID: 2962571). Invitae Evidence Modeling of protein sequence and biophysical properties (such as structural, functional, and spatial information, amino acid conservation, physicochemical variation, residue mobility, and thermodynamic stability) has been performed for this missense variant. However, the output from this modeling did not meet the statistical confidence thresholds required to predict the impact of this variant on CHRNA4 protein function. In summary, the available evidence is currently insufficient to determine the role of this variant in disease. Therefore, it has been classified as a Variant of Uncertain Significance.